The following is an entry in ClinVar:

NM_024675.4(PALB2):c.3166C>G (p.Gln1056Glu)

Gene: PALB2 (partner and localizer of BRCA2; minus strand). Cytogenetic location: 16p12.2.
Variant type: single nucleotide variant.
Coding change: c.3166C>G on transcript NM_024675.4 (MANE Select); coding-DNA position 3166, C replaced by G.
Protein change: p.Gln1056Glu; replaces glutamine 1056 with glutamic acid.
Molecular consequence: missense variant.
Genome position (GRCh38, 1-based): chr16:23,614,039, G>C on the plus strand (C>G on the coding strand, the complement: PALB2 is on the minus strand). VCF-style: chr16-23614039-G-C. GRCh37 (hg19) VCF-style: chr16-23625360-G-C.
Other names: short protein forms Q1056E.
Identifiers: ClinVar variation 1469711 (VCV001469711.11), dbSNP rs1021662947, ClinGen allele CA395141260.

ClinVar aggregate classification (germline): Uncertain significance. Review status: criteria provided, multiple submitters, no conflicts (2 of 4 stars). 2 submissions from 2 submitters: Uncertain significance (2). Last evaluated 2023-12-26.

Conditions:
Hereditary cancer-predisposing syndrome. Also called: Tumor predisposition; Hereditary Cancer Syndrome; Hereditary neoplastic syndrome; Neoplastic Syndromes, Hereditary. Identifiers: Orphanet 140162, MedGen C0027672, MeSH D009386, MONDO:0015356.
Familial cancer of breast. Also called: hereditary breast carcinoma; BREAST CANCER, FAMILIAL; Hereditary breast cancer. Identifiers: Orphanet 227535, MedGen C0346153, MONDO:0016419, OMIM 114480. Disease mechanism: loss of function.

Submissions (2):

Labcorp Genetics (formerly Invitae), Labcorp
Classification: Uncertain significance for Familial cancer of breast. Last evaluated: 2023-12-26. Review status: criteria provided, single submitter. Criteria: Invitae Variant Classification Sherloc (09022015). Collection method: clinical testing. Allele origin: germline.
Comment: This sequence change replaces glutamine, which is neutral and polar, with glutamic acid, which is acidic and polar, at codon 1056 of the PALB2 protein (p.Gln1056Glu). This variant is not present in population databases (gnomAD no frequency). This variant has not been reported in the literature in individuals affected with PALB2-related conditions. ClinVar contains an entry for this variant (Variation ID: 1469711). Advanced modeling of protein sequence and biophysical properties (such as structural, functional, and spatial information, amino acid conservation, physicochemical variation, residue mobility, and thermodynamic stability) performed at Invitae indicates that this missense variant is expected to disrupt PALB2 protein function with a positive predictive value of 80%. In summary, the available evidence is currently insufficient to determine the role of this variant in disease. Therefore, it has been classified as a Variant of Uncertain Significance.

Ambry Genetics
Classification: Uncertain significance for Hereditary cancer-predisposing syndrome. Last evaluated: 2023-09-13. Review status: criteria provided, single submitter. Criteria: Ambry Variant Classification Scheme 2023. Collection method: clinical testing. Allele origin: germline.
Comment: The p.Q1056E variant (also known as c.3166C>G), located in coding exon 11 of the PALB2 gene, results from a C to G substitution at nucleotide position 3166. The glutamine at codon 1056 is replaced by glutamic acid, an amino acid with highly similar properties. This amino acid position is well conserved in available vertebrate species. In addition, this alteration is predicted to be tolerated by in silico analysis. Since supporting evidence is limited at this time, the clinical significance of this alteration remains unclear.